The following is an entry in ClinVar:

NM_001267550.2(TTN):c.53002+2T>G

Genes: TTN (titin; minus strand), TTN-AS1 (TTN antisense RNA 1; plus strand), LOC126806425 (BRD4-independent group 4 enhancer GRCh37_chr2:179471933-179473132; plus strand). Cytogenetic location: 2q31.2.
Variant type: single nucleotide variant.
Coding change: c.53002+2T>G on transcript NM_001267550.2 (MANE Select); the canonical splice donor site of the intron after coding-DNA position 53002, T replaced by G.
Molecular consequence: splice donor variant.
Genome position (GRCh38, 1-based): chr2:178,607,783, A>C on the plus strand (T>G on the coding strand, the complement: TTN is on the minus strand). VCF-style: chr2-178607783-A-C. GRCh37 (hg19) VCF-style: chr2-179472510-A-C.
Other names: c.25807+2T>G (NM_003319.4); c.26383+2T>G (NM_133437.4); c.26182+2T>G (NM_133432.3); c.45298+2T>G (NM_133378.4); c.48079+2T>G (NM_001256850.1).
Identifiers: ClinVar variation 2691081 (VCV002691081.2), dbSNP rs1245385099, ClinGen allele CA349568987.

ClinVar aggregate classification (germline): Likely pathogenic. Review status: criteria provided, multiple submitters, no conflicts (2 of 4 stars). 2 submissions from 2 submitters: Likely pathogenic (2). Last evaluated 2026-03-13.

Conditions:
Cardiovascular phenotype. Identifiers: MedGen CN230736.
Cardiomyopathy (CMYO). Also called: Cardiomyopathies. Identifiers: Orphanet 167848, MedGen C0878544, MONDO:0004994, HP:0001638. Inheritance: Various modes of inheritance.

Allele frequency attached by ClinVar (database versions not stated): gnomAD exomes below 0.00001; TOPMed below 0.00001; gnomAD 0.00001.
gnomAD v4.1: 4 of 1,612,752 alleles (0.00025%); highest among the groups gnomAD compares: Non-Finnish European, 0.00034%; no homozygotes.

Submissions (2):

Ambry Genetics
Classification: Likely pathogenic for Cardiovascular phenotype. Last evaluated: 2026-03-13. Review status: criteria provided, single submitter. Criteria: Ambry Variant Classification Scheme 2023. Collection method: clinical testing. Allele origin: germline.
Comment: The c.25807+2T>G intronic variant results from a T to G substitution two nucleotides after coding exon 103 in the TTN gene. This exon is located in the A-band region of the N2-B isoform of the titin protein and is constitutively expressed in TTN transcripts (percent spliced in or PSI 100%). This nucleotide position is highly conserved in available vertebrate species. In silico splice site analysis predicts that this alteration will weaken the native splice donor site. This variant is considered to be rare based on population cohorts in the Genome Aggregation Database (gnomAD). This variant disrupts the canonical splice site and is expected to cause aberrant splicing, resulting in an abnormal protein or a transcript that is subject to nonsense-mediated mRNA decay. While loss of function variants in TTN are present in 1-3% of the general population, truncating variants (a category that includes canonical splice site variants) in the A-band are the most common cause of dilated cardiomyopathy (DCM) (Herman DS et al. N. Engl. J. Med., 2012 Feb;366:619-28; Roberts AM et al. Sci Transl Med, 2015 Jan;7:270ra6). TTN truncating variants encoded in constitutive exons (PSI >90%) have been found to be significantly associated with DCM regardless of their position in titin (Schafer S et al. Nat. Genet., 2017 01;49:46-53; Akhtar MM et al. Circ Heart Fail, 2020 Oct;13:e006832; Massier M et al. Clin Genet, 2025 Jan). Based on the majority of available evidence to date, this variant is likely to be pathogenic.

CHEO Genetics Diagnostic Laboratory, Children's Hospital of Eastern Ontario
Classification: Likely pathogenic for Cardiomyopathy. Last evaluated: 2023-03-06. Review status: criteria provided, single submitter. Criteria: ACMG Guidelines, 2015. Collection method: clinical testing. Allele origin: germline.